The following is an entry in ClinVar:

NM_017805.3(RASIP1):c.1686C>T (p.Ala562=)

Gene: RASIP1 (Ras interacting protein 1; minus strand). Cytogenetic location: 19q13.33.
Variant type: single nucleotide variant.
Coding change: c.1686C>T on transcript NM_017805.3 (MANE Select); coding-DNA position 1686, C replaced by T.
Protein change: p.Ala562=; no amino-acid change (alanine 562 retained).
Molecular consequence: synonymous variant.
Genome position (GRCh38, 1-based): chr19:48,729,084, G>A on the plus strand (C>T on the coding strand, the complement: RASIP1 is on the minus strand). VCF-style: chr19-48729084-G-A. GRCh37 (hg19) VCF-style: chr19-49232341-G-A.
Identifiers: ClinVar variation 2650219 (VCV002650219.24), dbSNP rs547402858, ClinGen allele CA9557058.
Genomic context (GRCh38, chr19:48,729,084, plus strand): 5'-GCACAGCGCCAGCAGCGTGGCGGGCCCGAGGGGCGGCAGGTCTCCCGAGCCGGCGGCTGC[G>A]GCGCGCACGATCTCGCCCAGCAGCGCCTCCTCCTCGCGCGGCCGGAAGCGCAGGACTGGC-3'
Protein context (NP_060275.2, residues 552-572): EEALLGEIVR[Ala562=]AAAGSGDLPP

ClinVar aggregate classification (germline): Likely benign (1 of 4 stars; one submission).

Allele frequency attached by ClinVar (database versions not stated): TOPMed 0.00005; gnomAD 0.00021; gnomAD exomes 0.00022; 1000 Genomes Project 0.00200; 1000 Genomes Project 30x 0.00219; ExAC 0.00547.
gnomAD v4.1: 315 of 1,376,530 alleles (0.023%); highest among the groups gnomAD compares: South Asian, 0.42%; 4 homozygotes.

Submission:

CeGaT Center for Human Genetics Tuebingen
Classification: Likely benign. Last evaluated: 2022-08-01. Review status: criteria provided, single submitter. Criteria: CeGaT Center For Human Genetics Tuebingen Variant Classification Criteria Version 2. Collection method: clinical testing. Allele origin: germline. Affected: yes. Observed: 1 variant allele.
Comment: RASIP1: BP4, BP7